The following is an entry in ClinVar:

ClinVar aggregate classification (germline): Pathogenic (1 of 4 stars; one submission).

Conditions:
Duchenne muscular dystrophy (DMD). Also called: MUSCULAR DYSTROPHY, PSEUDOHYPERTROPHIC PROGRESSIVE, DUCHENNE TYPE; Duchenne Muscular Dystrophy (DMD). Identifiers: Orphanet 98896, MedGen C0013264, MONDO:0010679, OMIM 310200.

Submission:

Labcorp Genetics (formerly Invitae), Labcorp
Classification: Pathogenic for Duchenne muscular dystrophy. Last evaluated: 2023-10-06. Review status: criteria provided, single submitter. Criteria: Invitae Variant Classification Sherloc (09022015). Collection method: clinical testing. Allele origin: unknown.
Comment: This variant results in a copy number gain of the genomic region encompassing exon(s) 3-4 of the DMD gene. While the exact position of this variant cannot be determined from the data, sub-genic copy number gains are generally in tandem (PMID: 25640679). This variant is predicted to be in-frame, and likely preserves the integrity of the reading frame. A similar copy number variant has been observed in individuals with Duchenne or Becker muscular dystrophy (PMID: 2316519, 12111668, 16917894, 18752307, 21896784). For these reasons, this variant has been classified as Pathogenic.

Literature cited by the submitters: PubMed 25640679; PubMed 2316519; PubMed 12111668; PubMed 16917894; PubMed 18752307; PubMed 21896784.

NC_000023.10:g.(?_32862880)_(32867957_?)dup

Gene: DMD (dystrophin; minus strand). Cytogenetic location: Xp21.1.
Variant type: Duplication.
Identifiers: ClinVar variation 3242998 (VCV003242998.1).